The following is an entry in ClinVar:

NM_002693.3(POLG):c.595G>C (p.Val199Leu)

Genes: POLG (DNA polymerase gamma, catalytic subunit; minus strand), POLGARF (POLG alternative reading frame; minus strand). Cytogenetic location: 15q26.1.
Variant type: single nucleotide variant.
Coding change: c.595G>C on transcript NM_002693.3 (MANE Select); coding-DNA position 595, G replaced by C.
Protein change: p.Val199Leu; replaces valine 199 with leucine.
Molecular consequence: missense variant.
Genome position (GRCh38, 1-based): chr15:89,333,160, C>G on the plus strand (G>C on the coding strand, the complement: POLG is on the minus strand). VCF-style: chr15-89333160-C-G. GRCh37 (hg19) VCF-style: chr15-89876391-C-G.
Other names: c.595G>C, p.Val199Leu (NM_001126131.2); short protein forms V199L.
Identifiers: ClinVar variation 2712400 (VCV002712400.3), dbSNP rs780610267, ClinGen allele CA393770495.

ClinVar aggregate classification (germline): Uncertain significance (1 of 4 stars; one submission).

Conditions:
Progressive sclerosing poliodystrophy (MTDPS4A). Also called: ALPERS PROGRESSIVE INFANTILE POLIODYSTROPHY; NEURONAL DEGENERATION OF CHILDHOOD WITH LIVER DISEASE, PROGRESSIVE; Mitochondrial DNA depletion syndrome 4A (Alpers type); Mitochondrial DNA Depletion Syndrome 4A; Alpers-Huttenlocher Syndrome (AHS); Alpers Syndrome. Identifiers: Orphanet 726, MedGen C0205710, MONDO:0008758, OMIM 203700.

Allele frequency attached by ClinVar (database versions not stated): TOPMed 0.00002.
gnomAD v4.1: 1 of 1,547,984 alleles (0.000065%); highest among the groups gnomAD compares: African/African-American, 0.0014%; no homozygotes.

Submission:

Labcorp Genetics (formerly Invitae), Labcorp
Classification: Uncertain significance for Progressive sclerosing poliodystrophy. Last evaluated: 2024-01-24. Review status: criteria provided, single submitter. Criteria: Invitae Variant Classification Sherloc (09022015). Collection method: clinical testing. Allele origin: germline.
Comment: This sequence change replaces valine, which is neutral and non-polar, with leucine, which is neutral and non-polar, at codon 199 of the POLG protein (p.Val199Leu). This variant is not present in population databases (gnomAD no frequency). This variant has not been reported in the literature in individuals affected with POLG-related conditions. Advanced modeling of protein sequence and biophysical properties (such as structural, functional, and spatial information, amino acid conservation, physicochemical variation, residue mobility, and thermodynamic stability) performed at Invitae indicates that this missense variant is expected to disrupt POLG protein function with a positive predictive value of 95%. In summary, the available evidence is currently insufficient to determine the role of this variant in disease. Therefore, it has been classified as a Variant of Uncertain Significance.